The following is an entry in ClinVar:

ClinVar aggregate classification (germline): Uncertain significance (1 of 4 stars; one submission).

Conditions:
Hypertrophic cardiomyopathy. Also called: HYPERTROPHIC MYOCARDIOPATHY. Identifiers: Orphanet 217569, MedGen C0007194, MeSH D002312, MONDO:0005045, HP:0001639.

Allele frequency attached by ClinVar (database versions not stated): gnomAD exomes below 0.00001; TOPMed below 0.00001.
gnomAD v4.1: 2 of 1,604,032 alleles (0.00012%); highest among the groups gnomAD compares: Admixed American, 0.0017%; no homozygotes.

Submission:

Labcorp Genetics (formerly Invitae), Labcorp
Classification: Uncertain significance for Hypertrophic cardiomyopathy. Last evaluated: 2021-11-02. Review status: criteria provided, single submitter. Criteria: Invitae Variant Classification Sherloc (09022015). Collection method: clinical testing. Allele origin: germline.
Comment: In summary, the available evidence is currently insufficient to determine the role of this variant in disease. Therefore, it has been classified as a Variant of Uncertain Significance. Variants that disrupt the consensus splice site are a relatively common cause of aberrant splicing (PMID: 17576681, 9536098). Algorithms developed to predict the effect of sequence changes on RNA splicing suggest that this variant is not likely to affect RNA splicing. This variant has not been reported in the literature in individuals affected with MYOM1-related conditions. The frequency data for this variant in the population databases is considered unreliable, as metrics indicate poor data quality at this position in the gnomAD database. This sequence change falls in intron 18 of the MYOM1 gene. It does not directly change the encoded amino acid sequence of the MYOM1 protein. It affects a nucleotide within the consensus splice site.

Literature cited by the submitters: PubMed 17576681; PubMed 9536098.

NM_003803.4(MYOM1):c.2795-3C>T

Gene: MYOM1 (myomesin 1; minus strand). Cytogenetic location: 18p11.31.
Variant type: single nucleotide variant.
Coding change: c.2795-3C>T on transcript NM_003803.4 (MANE Select); 3 bases into the intron before coding-DNA position 2795, C replaced by T.
Molecular consequence: intron variant.
Genome position (GRCh38, 1-based): chr18:3,126,900, G>A on the plus strand (C>T on the coding strand, the complement: MYOM1 is on the minus strand). VCF-style: chr18-3126900-G-A. GRCh37 (hg19) VCF-style: chr18-3126898-G-A.
Other names: c.2507-3C>T (NM_019856.2).
Identifiers: ClinVar variation 1391474 (VCV001391474.6), dbSNP rs1038647698, ClinGen allele CA295510860.